The following is an entry in ClinVar:

ClinVar aggregate classification (germline): Uncertain significance (1 of 4 stars; one submission).

Conditions:
Vici syndrome (VICIS). Identifiers: Orphanet 1493, MedGen C1855772, MONDO:0009452, OMIM 242840.

Allele frequency attached by ClinVar (database versions not stated): gnomAD 0.00001.
gnomAD v4.1: 9 of 1,614,124 alleles (0.00056%); highest among the groups gnomAD compares: African/African-American, 0.0053%; no homozygotes.

Submission:

Labcorp Genetics (formerly Invitae), Labcorp
Classification: Uncertain significance for Vici syndrome. Last evaluated: 2022-02-20. Review status: criteria provided, single submitter. Criteria: Invitae Variant Classification Sherloc (09022015). Collection method: clinical testing. Allele origin: germline.
Comment: This sequence change replaces methionine, which is neutral and non-polar, with valine, which is neutral and non-polar, at codon 2264 of the EPG5 protein (p.Met2264Val). This variant is present in population databases (no rsID available, gnomAD 0.004%). This variant has not been reported in the literature in individuals affected with EPG5-related conditions. Algorithms developed to predict the effect of missense changes on protein structure and function are either unavailable or do not agree on the potential impact of this missense change (SIFT: "Tolerated"; PolyPhen-2: "Possibly Damaging"; Align-GVGD: "Class C0"). In summary, the available evidence is currently insufficient to determine the role of this variant in disease. Therefore, it has been classified as a Variant of Uncertain Significance.

NM_020964.3(EPG5):c.6790A>G (p.Met2264Val)

Gene: EPG5 (ectopic P-granules 5 autophagy tethering factor; minus strand). Cytogenetic location: 18q12.3.
Variant type: single nucleotide variant.
Coding change: c.6790A>G on transcript NM_020964.3 (MANE Select); coding-DNA position 6790, A replaced by G.
Protein change: p.Met2264Val; replaces methionine 2264 with valine.
Molecular consequence: missense variant.
Genome position (GRCh38, 1-based): chr18:45,860,323, T>C on the plus strand (A>G on the coding strand, the complement: EPG5 is on the minus strand). VCF-style: chr18-45860323-T-C. GRCh37 (hg19) VCF-style: chr18-43440288-T-C.
Other names: c.6790A>G, p.Met2264Val (NM_001410858.1); c.6787A>G, p.Met2263Val (NM_001410859.1); short protein forms M2263V, M2264V.
Identifiers: ClinVar variation 2161705 (VCV002161705.1), dbSNP rs764375495, ClinGen allele CA402337838.
Genomic context (GRCh38, chr18:45,860,323, plus strand): 5'-TTGGAATAGTCGCGTTGTTCATCATCATCAGGACTTCCATAAAGAGGCTGCTGAGGGCCA[T>C]GTGGCGGGTCTGGCTGTCCATGTCTGAAAGGAATATAGACACACTCAAGAATGGCTGCCA-3'
Protein context (NP_066015.2, residues 2254-2274): PPDMDSQTRH[Met2264Val]ALSSLFMEVL